The following is an entry in ClinVar:

ClinVar aggregate classification (germline): Uncertain significance (1 of 4 stars; one submission).

Conditions:
Kleefstra syndrome 1 (KLEFS1). Identifiers: Orphanet 261494, MedGen C0795833, MONDO:0027407, OMIM 610253.

Submission:

Laboratorio de Diagnóstico Molecular
Classification: Uncertain significance for Kleefstra syndrome 1. Last evaluated: 2025-01-06. Review status: criteria provided, single submitter. Criteria: ACMG Guidelines, 2015. Collection method: clinical testing. Allele origin: germline. Inheritance: Autosomal dominant inheritance. Affected: yes. Observed: 1 heterozygote.
Comment: Frameshift variant producing a premature stop codon 35 aminoacids downstream. Not expected to undergo NMD, but truncating a functional domain (PVS1_Strong). Absent from gnomAD v4.1.0 (PM2_Supporting).

NM_024757.5(EHMT1):c.3619dup (p.Leu1207fs)

Gene: EHMT1 (euchromatic histone lysine methyltransferase 1; plus strand). Cytogenetic location: 9q34.3.
Variant type: Duplication.
Coding change: c.3619dup on transcript NM_024757.5 (MANE Select); coding-DNA position 3619, one base duplicated (C; older notation c.3619dupC).
Protein change: p.Leu1207fs; shifts the reading frame from leucine 1207.
Molecular consequence: frameshift variant.
Genome position (GRCh38, 1-based): chr9:137,834,427, C duplicated; the last of 2 consecutive C bases (chr9:137,834,426-137,834,427); duplicating either gives the same sequence. VCF-style (leftmost placement, unchanged base first): chr9-137834425-A-AC. GRCh37 (hg19) VCF-style: chr9-140728877-A-AC.
Other names: c.3598dup, p.Leu1200fs (NM_001354263.2); short protein forms L1200fs, L1207fs.
Identifiers: ClinVar variation 4075376 (VCV004075376.1).